The following is an entry in ClinVar:

ClinVar aggregate classification (germline): Likely benign (0 of 4 stars; one submission).

Conditions:
PLXNA1-related disorder. Also called: PLXNA1-related condition.

gnomAD v4.1: 10 of 1,611,308 alleles (0.00062%); highest among the groups gnomAD compares: African/African-American, 0.012%; no homozygotes.

Submission:

PreventionGenetics, part of Exact Sciences
Classification: Likely benign for PLXNA1-related condition. Last evaluated: 2021-06-08. Review status: no assertion criteria provided. Collection method: clinical testing. Allele origin: germline.
Comment: This variant is classified as likely benign based on ACMG/AMP sequence variant interpretation guidelines (Richards et al. 2015 PMID: 25741868, with internal and published modifications).

NM_032242.4(PLXNA1):c.1440C>T (p.Ala480=)

Gene: PLXNA1 (plexin A1; plus strand). Cytogenetic location: 3q21.3.
Variant type: single nucleotide variant.
Coding change: c.1440C>T on transcript NM_032242.4 (MANE Select); coding-DNA position 1440, C replaced by T.
Protein change: p.Ala480=; no amino-acid change (alanine 480 retained).
Molecular consequence: synonymous variant.
Genome position (GRCh38, 1-based): chr3:127,003,392, C>T. VCF-style: chr3-127003392-C-T. GRCh37 (hg19) VCF-style: chr3-126722235-C-T.
Identifiers: ClinVar variation 3357502 (VCV003357502.1).